The following is an entry in ClinVar:

NM_003873.7(NRP1):c.629G>C (p.Arg210Pro)

Gene: NRP1 (neuropilin 1; minus strand). Cytogenetic location: 10p11.22.
Variant type: single nucleotide variant.
Coding change: c.629G>C on transcript NM_003873.7 (MANE Select); coding-DNA position 629, G replaced by C.
Protein change: p.Arg210Pro; replaces arginine 210 with proline.
Molecular consequence: missense variant. On other transcripts: non-coding transcript variant (1).
Genome position (GRCh38, 1-based): chr10:33,263,675, C>G on the plus strand (G>C on the coding strand, the complement: NRP1 is on the minus strand). VCF-style: chr10-33263675-C-G. GRCh37 (hg19) VCF-style: chr10-33552603-C-G.
Other names: c.629G>C, p.Arg210Pro (NM_001024628.3, NM_001024629.3, NM_001244972.2 and 2 more transcripts); short protein forms R210P.
Identifiers: ClinVar variation 4994905 (VCV004994905.1).

ClinVar aggregate classification (germline): Uncertain significance (1 of 4 stars; one submission).

Conditions:
NRP1-related disorder. Also called: NRP1-related condition.

gnomAD v4.1: 2 of 1,613,822 alleles (0.00012%); highest among the groups gnomAD compares: African/African-American, 0.0027%; no homozygotes.

Submission:

PreventionGenetics, part of Exact Sciences
Classification: Uncertain significance for NRP1-related condition. Last evaluated: 2026-01-26. Review status: criteria provided, single submitter. Criteria: ACMG Guidelines, 2015. Collection method: clinical testing. Allele origin: germline.
Comment: The NRP1 c.629G>C variant is predicted to result in the amino acid substitution p.Arg210Pro. To our knowledge, this variant has not been reported in the literature or in a large population database (gnomAD), indicating this variant is rare. At this time, the clinical significance of this variant is uncertain due to the absence of conclusive functional and genetic evidence.